The following is an entry in ClinVar:

NM_000277.3(PAH):c.827T>C (p.Met276Thr)

Gene: PAH (phenylalanine hydroxylase; minus strand). Cytogenetic location: 12q23.2.
Variant type: single nucleotide variant.
Coding change: c.827T>C on transcript NM_000277.3 (MANE Select); coding-DNA position 827, T replaced by C.
Protein change: p.Met276Thr; replaces methionine 276 with threonine.
Molecular consequence: missense variant.
Genome position (GRCh38, 1-based): chr12:102,852,830, A>G on the plus strand (T>C on the coding strand, the complement: PAH is on the minus strand). VCF-style: chr12-102852830-A-G. GRCh37 (hg19) VCF-style: chr12-103246608-A-G.
Other names: c.827T>C, p.Met276Thr (NM_001354304.2); c.827T>C (NM_000277.2, NM_000277.1); short protein forms M276T.
Identifiers: ClinVar variation 2152159 (VCV002152159.9), dbSNP rs62508722, ClinGen allele CA6748837.
Genomic context (GRCh38, chr12:102,852,830, plus strand): 5'-GCGCTCATTGTGCCTGGCAACTGGTAGCTGGAGGACAGTACTCACGGTTCGGGGGTATAC[A>G]TGGGCTTGGATCCATGTCTGATGTACTGTGTGCAGTGGAAGACTCGGAAGGCCAGGCCAC-3'
Protein context (NP_000268.1, residues 266-286): TQYIRHGSKP[Met276Thr]YTPEPDICHE

ClinVar aggregate classification (germline): Pathogenic/Likely pathogenic. Review status: criteria provided, multiple submitters, no conflicts (2 of 4 stars). 5 submissions from 5 submitters: Pathogenic (2); Likely pathogenic (3). Last evaluated 2025-06-27.

Conditions:
Phenylketonuria (PKU). Also called: Phenylketonuria (PKU); OLIGOPHRENIA PHENYLPYRUVICA; FOLLING DISEASE; Phenylketonurias. Identifiers: Orphanet 716, MedGen C0031485, MONDO:0009861, OMIM 261600. Disease mechanism: loss of function.

Allele frequency attached by ClinVar (database versions not stated): ExAC 0.00001; gnomAD exomes 0.00001; TOPMed 0.00001.
gnomAD v4.1: 18 of 1,613,960 alleles (0.0011%); highest among the groups gnomAD compares: East Asian, 0.0067%; no homozygotes.

Submissions (5):

Women's Health and Genetics/Laboratory Corporation of America, LabCorp
Classification: Pathogenic for Phenylketonuria. Last evaluated: 2025-06-27. Review status: criteria provided, single submitter. Criteria: LabCorp Variant Classification Summary - May 2015. Collection method: clinical testing. Allele origin: germline.
Comment: Variant summary: PAH c.827T>C (p.Met276Thr) results in a non-conservative amino acid change in the encoded protein sequence. Algorithms developed to predict the effect of missense changes on protein structure and function all suggest that this variant is likely to be disruptive. The variant allele was found at a frequency of 8e-06 in 251352 control chromosomes (gnomAD). c.827T>C has been observed in individuals affected with Phenylalanine Hydroxylase Deficiency (Phenylketonuria) or Hyperphenylalaninaemia (e.g., Wang_2018, Zhang_2019, Hillert_2020, Zeng_2023). These data indicate that the variant is likely to be associated with disease. A different variant affecting the same codon has been classified as pathogenic by our lab (c.827T>G, p.Met276Arg), supporting the critical relevance of codon 276 to PAH protein function. The following publications have been ascertained in the context of this evaluation (PMID: 29499199, 31102715, 32668217, 36845377). ClinVar contains an entry for this variant (Variation ID: 2152159). Based on the evidence outlined above, the variant was classified as pathogenic.

Labcorp Genetics (formerly Invitae), Labcorp
Classification: Pathogenic for Phenylketonuria. Last evaluated: 2025-06-03. Review status: criteria provided, single submitter. Criteria: Invitae Variant Classification Sherloc (09022015). Collection method: clinical testing. Allele origin: germline.
Comment: This sequence change replaces methionine, which is neutral and non-polar, with threonine, which is neutral and polar, at codon 276 of the PAH protein (p.Met276Thr). This variant is present in population databases (rs62508722, gnomAD 0.004%). This missense change has been observed in individual(s) with PAH-related conditions (PMID: 31102715). ClinVar contains an entry for this variant (Variation ID: 2152159). Invitae Evidence Modeling of protein sequence and biophysical properties (such as structural, functional, and spatial information, amino acid conservation, physicochemical variation, residue mobility, and thermodynamic stability) indicates that this missense variant is not expected to disrupt PAH protein function with a negative predictive value of 80%. Experimental studies are conflicting or provide insufficient evidence to determine the effect of this variant on PAH function (PMID: 31102715). This variant disrupts the p.Met276 amino acid residue in PAH. Other variant(s) that disrupt this residue have been determined to be pathogenic (PMID: 8068076, 16256386, 16290003, 25894915, 29176022, 30459323, 30612563). This suggests that this residue is clinically significant, and that variants that disrupt this residue are likely to be disease-causing. For these reasons, this variant has been classified as Pathogenic.

Natera, Inc.
Classification: Likely pathogenic for Phenylketonuria. Last evaluated: 2025-04-01. Review status: criteria provided, single submitter. Criteria: Natera Variant Classification Schema (03/2026). Collection method: clinical testing. Allele origin: germline.
Comment: The c.827T>C variant in PAH is a missense variant predicted to cause substitution of methionine to threonine at amino acid 276. This variant is rare in the general population with a frequency below the threshold expected for the associated phenotype(s). This variant has been observed in one or more individuals affected with the associated recessive disease, as either homozygous or compound heterozygous with a second variant (PMID: 35328070, 35281663, 31102715, 36845377). A different variant at the same position has been determined to be Pathogenic or Likely Pathogenic. Given the available evidence, this variant is classified as Likely Pathogenic.

Baylor Genetics
Classification: Likely pathogenic for Phenylketonuria. Last evaluated: 2024-01-31. Review status: criteria provided, single submitter. Criteria: ACMG Guidelines, 2015. Collection method: clinical testing. Allele origin: unknown.

GeneDx
Classification: Likely pathogenic. Last evaluated: 2023-12-29. Review status: criteria provided, single submitter. Criteria: GeneDx Variant Classification Process June 2021. Collection method: clinical testing. Allele origin: germline. Affected: yes.
Comment: Not observed at significant frequency in large population cohorts (gnomAD); In silico analysis supports that this missense variant has a deleterious effect on protein structure/function; This variant is associated with the following publications: (PMID: 31102715, 32668217, 29499199)

Literature cited by the submitters: PubMed 29499199 (cited by Women's Health and Genetics/Laboratory Corporation of America, LabCorp); PubMed 32668217 (cited by Women's Health and Genetics/Laboratory Corporation of America, LabCorp); PubMed 31102715 (cited by 3 submitters); PubMed 36845377 (cited by Women's Health and Genetics/Laboratory Corporation of America, LabCorp and Natera, Inc.); PubMed 8068076 (cited by Labcorp Genetics (formerly Invitae), Labcorp); PubMed 16256386 (cited by Labcorp Genetics (formerly Invitae), Labcorp); PubMed 16290003 (cited by Labcorp Genetics (formerly Invitae), Labcorp); PubMed 25894915 (cited by Labcorp Genetics (formerly Invitae), Labcorp); PubMed 29176022 (cited by Labcorp Genetics (formerly Invitae), Labcorp); PubMed 30459323 (cited by Labcorp Genetics (formerly Invitae), Labcorp); PubMed 30612563 (cited by Labcorp Genetics (formerly Invitae), Labcorp); PubMed 35328070 (cited by Natera, Inc.); PubMed 35281663 (cited by Natera, Inc.).